The following is an entry in ClinVar:

NM_000107.3(DDB2):c.85dup (p.Glu29fs)

Genes: DDB2 (damage specific DNA binding protein 2; plus strand), LOC126861205 (MED14-independent group 3 enhancer GRCh37_chr11:47236089-47237288; plus strand). Cytogenetic location: 11p11.2.
Variant type: Duplication.
Coding change: c.85dup on transcript NM_000107.3 (MANE Select); coding-DNA position 85, one base duplicated (G; older notation c.85dupG).
Protein change: p.Glu29fs; shifts the reading frame from glutamic acid 29.
Molecular consequence: frameshift variant. On other transcripts: non-coding transcript variant (2).
Genome position (GRCh38, 1-based): chr11:47,215,221, G duplicated; the last of 2 consecutive G bases (chr11:47,215,220-47,215,221); duplicating either gives the same sequence. VCF-style (leftmost placement, unchanged base first): chr11-47215219-T-TG. GRCh37 (hg19) VCF-style: chr11-47236770-T-TG.
Other names: c.85dup, p.Glu29fs (NM_001300734.2, NM_001399874.1, NM_001399875.1 and 2 more transcripts); short protein forms E29fs.
Identifiers: ClinVar variation 2431840 (VCV002431840.3), dbSNP rs2540389596, ClinGen allele CA2574813847.

ClinVar aggregate classification (germline): Likely pathogenic. Review status: criteria provided, multiple submitters, no conflicts (2 of 4 stars). 2 submissions from 2 submitters: Likely pathogenic (2). Last evaluated 2024-03-21.

Conditions:
Xeroderma pigmentosum, group E (XPE). Also called: Xeroderma pigmentosum, complementation group E; XERODERMA PIGMENTOSUM V; XP, GROUP E; DDB2-Related Xeroderma Pigmentosum; Xeroderma pigmentosum, complementation group E, DDB-negative form; Xeroderma pigmentosum, group E, DDB-negative subtype. Identifiers: Orphanet 910, MedGen C1848411, MONDO:0010213, OMIM 278740.

Submissions (2):

Fulgent Genetics
Classification: Likely pathogenic for Xeroderma pigmentosum, group E. Last evaluated: 2024-03-21. Review status: criteria provided, single submitter. Criteria: ACMG Guidelines, 2015. Collection method: clinical testing. Allele origin: germline.

Laboratorio de Genetica e Diagnostico Molecular, Hospital Israelita Albert Einstein
Classification: Likely pathogenic for Xeroderma pigmentosum, group E. Last evaluated: 2023-01-20. Review status: criteria provided, single submitter. Criteria: ACMG Guidelines, 2015. Collection method: clinical testing. Allele origin: germline. Affected: yes.
Comment: ACMG classification criteria: PVS1 strong, PM2 moderated